The following is an entry in ClinVar:

NM_015272.5(RPGRIP1L):c.2444T>C (p.Val815Ala)

Gene: RPGRIP1L (RPGRIP1 like; minus strand). Cytogenetic location: 16q12.2.
Variant type: single nucleotide variant.
Coding change: c.2444T>C on transcript NM_015272.5 (MANE Select); coding-DNA position 2444, T replaced by C.
Protein change: p.Val815Ala; replaces valine 815 with alanine.
Molecular consequence: missense variant.
Genome position (GRCh38, 1-based): chr16:53,645,864, A>G on the plus strand (T>C on the coding strand, the complement: RPGRIP1L is on the minus strand). VCF-style: chr16-53645864-A-G. GRCh37 (hg19) VCF-style: chr16-53679776-A-G.
Other names: c.2444T>C, p.Val815Ala (NM_001127897.4, NM_001308334.3, NM_001330538.2); short protein forms V815A.
Identifiers: ClinVar variation 1973509 (VCV001973509.5), dbSNP rs2544106341, ClinGen allele CA395914608.
Genomic context (GRCh38, chr16:53,645,864, plus strand): 5'-TCATTGCTACTGGGAATGATAGCTGTATCATGGTCTGCAAAATCAAAAAACTTGTACACA[A>G]CATATGGGTGTGGCTGCAGGTGGCTTGCTCGGGACTGCAGGTGGTTGCAACATCTTATTG-3'
Protein context (NP_056087.2, residues 805-825): RASHLQPHPY[Val815Ala]VYKFFDFADH

ClinVar aggregate classification (germline): Uncertain significance (1 of 4 stars; one submission).

Conditions:
Joubert syndrome. Also called: CEREBELLOPARENCHYMAL DISORDER IV; JOUBERT-BOLTSHAUSER SYNDROME; Familial aplasia of the vermis. Identifiers: Orphanet 475, MedGen C5979921, MONDO:0018772.
Meckel-Gruber syndrome. Also called: DYSENCEPHALIA SPLANCHNOCYSTICA; GRUBER SYNDROME; Dysencephalia splachnocystica. Identifiers: Orphanet 564, MedGen C0265215, MONDO:0018921.

Allele frequency attached by ClinVar (database versions not stated): gnomAD exomes below 0.00001.
gnomAD v4.1: 1 of 1,614,142 alleles (0.000062%); highest among the groups gnomAD compares: African/African-American, 0.0013%; no homozygotes.

Submission:

Labcorp Genetics (formerly Invitae), Labcorp
Classification: Uncertain significance for Joubert syndrome; Meckel-Gruber syndrome. Last evaluated: 2022-08-09. Review status: criteria provided, single submitter. Criteria: Invitae Variant Classification Sherloc (09022015). Collection method: clinical testing. Allele origin: germline.
Comment: Algorithms developed to predict the effect of missense changes on protein structure and function (SIFT, PolyPhen-2, Align-GVGD) all suggest that this variant is likely to be disruptive. This variant has not been reported in the literature in individuals affected with RPGRIP1L-related conditions. This variant is not present in population databases (gnomAD no frequency). This sequence change replaces valine, which is neutral and non-polar, with alanine, which is neutral and non-polar, at codon 815 of the RPGRIP1L protein (p.Val815Ala). In summary, the available evidence is currently insufficient to determine the role of this variant in disease. Therefore, it has been classified as a Variant of Uncertain Significance.